The following is an entry in ClinVar:

NM_000074.3(CD40LG):c.643G>A (p.Ala215Thr)

Gene: CD40LG (CD40 ligand; plus strand). Cytogenetic location: Xq26.3.
Variant type: single nucleotide variant.
Coding change: c.643G>A on transcript NM_000074.3 (MANE Select); coding-DNA position 643, G replaced by A.
Protein change: p.Ala215Thr; replaces alanine 215 with threonine.
Molecular consequence: missense variant.
Genome position (GRCh38, 1-based): chrX:136,659,272, G>A. VCF-style: chrX-136659272-G-A. GRCh37 (hg19) VCF-style: chrX-135741431-G-A.
Other names: short protein forms A215T.
Identifiers: ClinVar variation 1911308 (VCV001911308.2), dbSNP rs768138040, ClinGen allele CA10528167.
Genomic context (GRCh38, chrX:136,659,272, plus strand): 5'-CTAAAGTCCCCCGGTAGATTCGAGAGAATCTTACTCAGAGCTGCAAATACCCACAGTTCC[G>A]CCAAACCTTGCGGGCAACAATCCATTCACTTGGGAGGAGTATTTGAATTGCAACCAGGTG-3'
Protein context (NP_000065.1, residues 205-225): LLRAANTHSS[Ala215Thr]KPCGQQSIHL

ClinVar aggregate classification (germline): Uncertain significance (1 of 4 stars; one submission).

Conditions:
Hyper-IgM syndrome type 1. Also called: CD40 Ligand Deficiency; X-linked hyper-IgM syndrome; Immunodeficiency, X-linked, with hyper-IgM; Hyper-IgM Immunodeficiency Syndrome, Type 1. Identifiers: Orphanet 101088, MedGen C0398689, MONDO:0010626, OMIM 308230.

Allele frequency attached by ClinVar (database versions not stated): gnomAD exomes 0.00002; TOPMed 0.00002; ExAC 0.00001; gnomAD 0.00002.

Submission:

Labcorp Genetics (formerly Invitae), Labcorp
Classification: Uncertain significance for Hyper-IgM syndrome type 1. Last evaluated: 2022-02-06. Review status: criteria provided, single submitter. Criteria: Invitae Variant Classification Sherloc (09022015). Collection method: clinical testing. Allele origin: germline.
Comment: This sequence change replaces alanine, which is neutral and non-polar, with threonine, which is neutral and polar, at codon 215 of the CD40LG protein (p.Ala215Thr). This variant is not present in population databases (gnomAD no frequency). This variant has not been reported in the literature in individuals affected with CD40LG-related conditions. Advanced modeling of protein sequence and biophysical properties (such as structural, functional, and spatial information, amino acid conservation, physicochemical variation, residue mobility, and thermodynamic stability) performed at Invitae indicates that this missense variant is not expected to disrupt CD40LG protein function. In summary, the available evidence is currently insufficient to determine the role of this variant in disease. Therefore, it has been classified as a Variant of Uncertain Significance.